The following is an entry in ClinVar:

NM_000352.6(ABCC8):c.1672-13C>T

Gene: ABCC8 (ATP binding cassette subfamily C member 8; minus strand). Cytogenetic location: 11p15.1.
Variant type: single nucleotide variant.
Coding change: c.1672-13C>T on transcript NM_000352.6 (MANE Select); 13 bases into the intron before coding-DNA position 1672, C replaced by T.
Molecular consequence: intron variant.
Genome position (GRCh38, 1-based): chr11:17,430,972, G>A on the plus strand (C>T on the coding strand, the complement: ABCC8 is on the minus strand). VCF-style: chr11-17430972-G-A. GRCh37 (hg19) VCF-style: chr11-17452519-G-A.
Other names: c.1669-13C>T (NM_001351297.2, NM_001351296.2); c.1672-13C>T (NM_001351295.2, NM_001287174.3).
Identifiers: ClinVar variation 3768419 (VCV003768419.1).

ClinVar aggregate classification (germline): Likely benign (1 of 4 stars; one submission).

gnomAD v4.1: 45 of 1,613,640 alleles (0.0028%); highest among the groups gnomAD compares: Non-Finnish European, 0.0036%; no homozygotes.

Submission:

Women's Health and Genetics/Laboratory Corporation of America, LabCorp
Classification: Likely benign. Last evaluated: 2024-12-31. Review status: criteria provided, single submitter. Criteria: LabCorp Variant Classification Summary - May 2015. Collection method: clinical testing. Allele origin: germline.
Comment: Variant summary: ABCC8 c.1672-13C>T alters a non-conserved nucleotide located at a position not widely known to affect splicing. Consensus agreement among computation tools predict no significant impact on normal splicing. However, these predictions have yet to be confirmed by functional studies. The variant allele was found at a frequency of 8.1e-06 in 248198 control chromosomes. The available data on variant occurrences in the general population are insufficient to allow any conclusion about variant significance. To our knowledge, no occurrence of c.1672-13C>T in individuals affected with Familial Hyperinsulinism and no experimental evidence demonstrating its impact on protein function have been reported. No submitters have cited clinical-significance assessments for this variant to ClinVar. Based on the evidence outlined above, the variant was classified as likely benign.